The following is an entry in ClinVar:

ClinVar aggregate classification (germline): Benign. Review status: criteria provided, multiple submitters, no conflicts (2 of 4 stars). 2 submissions from 2 submitters: Benign (2). Last evaluated 2018-01-12.

Conditions:
Premature ovarian failure 2B. Identifiers: MedGen C1845105, MONDO:0010373, OMIM 300604.

Allele frequency attached by ClinVar (database versions not stated): gnomAD exomes 0.00366 and 0.01008; ExAC 0.01277; gnomAD 0.03481 and 0.03750; 1000 Genomes Project 0.03576; 1000 Genomes Project 30x 0.03892; TOPMed 0.04106; ESP Exome Variant Server 0.04393.
gnomAD v4.1: 8,083 of 1,205,908 alleles (0.67%); highest among the groups gnomAD compares: African/African-American, 12%; 344 homozygotes.

Submissions (2):

Illumina Laboratory Services, Illumina
Classification: Benign for Premature ovarian failure 2B. Last evaluated: 2018-01-12. Review status: criteria provided, single submitter. Criteria: ICSL Variant Classification Criteria 13 December 2019. Collection method: clinical testing. Allele origin: germline.
Comment: This variant was observed in the ICSL laboratory as part of a predisposition screen in an ostensibly healthy population. It had not been previously curated by ICSL or reported in the Human Gene Mutation Database (HGMD: prior to June 1st, 2018), and was therefore a candidate for classification through an automated scoring system. Utilizing variant allele frequency, disease prevalence and penetrance estimates, and inheritance mode, an automated score was calculated to assess if this variant is too frequent to cause the disease. Based on the score and internal cut-off values, a variant classified as benign is not then subjected to further curation. The score for this variant resulted in a classification of benign for this disease.

Breakthrough Genomics
Classification: Benign. Review status: criteria provided, single submitter. Criteria: ACMG Guidelines, 2015. Collection method: not provided. Allele origin: germline. Inheritance: X-linked inheritance. Affected: yes.

NM_024921.4(POF1B):c.641A>G (p.Gln214Arg)

Gene: POF1B (POF1B actin binding protein; minus strand). Cytogenetic location: Xq21.1.
Variant type: single nucleotide variant.
Coding change: c.641A>G on transcript NM_024921.4 (MANE Select); coding-DNA position 641, A replaced by G.
Protein change: p.Gln214Arg; replaces glutamine 214 with arginine.
Molecular consequence: missense variant.
Genome position (GRCh38, 1-based): chrX:85,345,942, T>C on the plus strand (A>G on the coding strand, the complement: POF1B is on the minus strand). VCF-style: chrX-85345942-T-C. GRCh37 (hg19) VCF-style: chrX-84600948-T-C.
Other names: c.641A>G, p.Gln214Arg (NM_001307940.2); short protein forms Q214R.
Identifiers: ClinVar variation 368789 (VCV000368789.6), dbSNP rs60768249, ClinGen allele CA10465129.